The following is an entry in ClinVar:

ClinVar aggregate classification (germline): Uncertain significance (1 of 4 stars; one submission).

Conditions:
Tuberous sclerosis 2 (TSC2). Identifiers: Orphanet 805, MedGen C1860707, MONDO:0013199, OMIM 613254.

Submission:

Labcorp Genetics (formerly Invitae), Labcorp
Classification: Uncertain significance for Tuberous sclerosis 2. Last evaluated: 2021-03-16. Review status: criteria provided, single submitter. Criteria: Invitae Variant Classification Sherloc (09022015). Collection method: clinical testing. Allele origin: germline.
Comment: In summary, the available evidence is currently insufficient to determine the role of this variant in disease. Therefore, it has been classified as a Variant of Uncertain Significance. Experimental studies and prediction algorithms are not available or were not evaluated, and the functional significance of this variant is currently unknown. This variant has been observed in individual(s) with clinical features of tuberous sclerosis complex (Invitae). This variant is a gross deletion of the genomic region encompassing exon(s) 31 of the TSC2 gene. This variant would be expected to be in-frame, preserving the integrity of the reading frame.

NC_000016.9:g.(?_2130391)_(2132328_?)del

Gene: TSC2 (TSC complex subunit 2; plus strand). Cytogenetic location: 16p13.3.
Variant type: Deletion.
Identifiers: ClinVar variation 1399332 (VCV001399332.6).